The following is an entry in ClinVar:

ClinVar aggregate classification (germline): Uncertain significance (0 of 4 stars; one submission).

Conditions:
GNAS-related disorder. Identifiers: MedGen CN380105.

Submission:

PreventionGenetics, part of Exact Sciences
Classification: Uncertain significance for GNAS-related condition. Last evaluated: 2024-07-03. Review status: no assertion criteria provided. Collection method: clinical testing. Allele origin: germline.
Comment: The GNAS c.1052_1053delGA variant is predicted to result in a frameshift and premature protein termination (p.Arg351Thrfs*4). To our knowledge, this variant has not been reported in the literature. This variant is reported in 0.011% of alleles in individuals of African descent in gnomAD. This variant is annotated in the primary transcript as NM_000516:c.-37410_-37409delGA (Pre-Coding). To our knowledge, only large deletions in the above region are conclusively pathogenic for pseudohypoparathyroidism type-Ib (PHP-Ib) due to methylation defects (Turan and Bastepe. 2015. PubMed ID: 25851935). Although, in some studies single nucleotide variants (SNVs) within this region have been reported in related diseases, the pathogenicity of these variants is still uncertain (see for example in Table 3 of Long et al. 2018. PubMed ID: 30022773). At this time, the clinical significance of this variant is uncertain due to the absence of conclusive functional and genetic evidence.

NM_080425.4(GNAS):c.1052_1053del (p.Arg351fs)

Gene: GNAS (GNAS complex locus; plus strand). Cytogenetic location: 20q13.32.
Variant type: Microsatellite.
Coding change: c.1052_1053del on transcript NM_080425.4 (MANE Plus Clinical); coding-DNA positions 1052 to 1053, 2 bases deleted (GA; older notation c.1052_1053delGA).
Protein change: p.Arg351fs; shifts the reading frame from arginine 351.
Molecular consequence: frameshift variant. On other transcripts: intron variant (3).
Genome position (GRCh38, 1-based): chr20:58,854,317-58,854,318, GA deleted; deleting any 2 consecutive bases within chr20:58,854,312-58,854,318 gives the same sequence; the c. name uses the placement nearest the transcript's 3' end. VCF-style (leftmost placement, unchanged base first): chr20-58854311-CAG-C. GRCh37 (hg19) VCF-style: chr20-57429366-CAG-C.
Other names: c.865_866del, p.Asp289fs (NM_001077490.3, NM_001309883.1); c.1052_1053del, p.Arg351fs (NM_001410913.1); c.*42+13426AG[2] (NM_016592.5); c.43+13426AG[2] (NM_001410912.1); c.-39+12437AG[2] (NM_001309861.2); short protein forms D289fs, R351fs.
Identifiers: ClinVar variation 3347697 (VCV003347697.1).
Genomic context (GRCh38, chr20:58,854,311, plus strand): 5'-CAATCGCGCTTGACGGCCCGCCCATCAAGGTCTCCGGAGCCCCAGATAAGAGAGAGCGAG[CAG>C]AGAGACCCCCAGTTGAGGAGGAAGCAGCAGAGATGGAAGGAGCCGCTGATGCCGCGGAGG-3'